The following is an entry in ClinVar:

ClinVar aggregate classification (germline): Benign/Likely benign. Review status: criteria provided, multiple submitters, no conflicts (2 of 4 stars). 4 submissions from 4 submitters: Benign (1); Likely benign (3). Last evaluated 2026-01-26.

Conditions:
Long QT syndrome (LQTS). Identifiers: MedGen C0023976, MeSH D008133, MONDO:0002442. Disease mechanism: loss of function. Inheritance: Various modes of inheritance.

Allele frequency attached by ClinVar (database versions not stated): ExAC 0.00003; TOPMed 0.00006; ESP Exome Variant Server 0.00008; gnomAD 0.00010.
gnomAD v4.1: 87 of 1,610,988 alleles (0.0054%); highest among the groups gnomAD compares: Middle Eastern, 0.016%; no homozygotes.

Submissions (4):

Labcorp Genetics (formerly Invitae), Labcorp
Classification: Likely benign for Long QT syndrome. Last evaluated: 2026-01-26. Review status: criteria provided, single submitter. Criteria: Invitae Variant Classification Sherloc (09022015). Collection method: clinical testing. Allele origin: germline.

Women's Health and Genetics/Laboratory Corporation of America, LabCorp
Classification: Likely benign. Last evaluated: 2025-05-09. Review status: criteria provided, single submitter. Criteria: LabCorp Variant Classification Summary - May 2015. Collection method: clinical testing. Allele origin: germline.

Blueprint Genetics
Classification: Likely benign. Last evaluated: 2022-10-11. Review status: criteria provided, single submitter. Criteria: ACMG Guidelines, 2015. Collection method: clinical testing. Allele origin: germline.

GeneDx
Classification: Benign. Last evaluated: 2015-09-16. Review status: criteria provided, single submitter. Criteria: GeneDx Variant Classification (06012015). Collection method: clinical testing. Allele origin: germline. Affected: yes.
Comment: This variant is considered likely benign or benign based on one or more of the following criteria: it is a conservative change, it occurs at a poorly conserved position in the protein, it is predicted to be benign by multiple in silico algorithms, and/or has population frequency not consistent with disease.

NM_000218.3(KCNQ1):c.387-18C>T

Gene: KCNQ1 (potassium voltage-gated channel subfamily Q member 1; plus strand). Cytogenetic location: 11p15.5.
Variant type: single nucleotide variant.
Coding change: c.387-18C>T on transcript NM_000218.3 (MANE Select); 18 bases into the intron before coding-DNA position 387, C replaced by T.
Molecular consequence: intron variant.
Genome position (GRCh38, 1-based): chr11:2,527,910, C>T. VCF-style: chr11-2527910-C-T. GRCh37 (hg19) VCF-style: chr11-2549140-C-T.
Other names: c.117-18C>T (NM_001406837.1); c.387-18C>T (NM_001406836.1, NM_001406838.1); c.6-18C>T (NM_181798.2).
Identifiers: ClinVar variation 378013 (VCV000378013.10), dbSNP rs377350869, ClinGen allele CA036585.